The following is an entry in ClinVar:

NM_000264.5(PTCH1):c.2925T>C (p.Pro975=)

Gene: PTCH1 (patched 1; minus strand). Cytogenetic location: 9q22.32.
Variant type: single nucleotide variant.
Coding change: c.2925T>C on transcript NM_000264.5 (MANE Select); coding-DNA position 2925, T replaced by C.
Protein change: p.Pro975=; no amino-acid change (proline 975 retained).
Molecular consequence: synonymous variant. On other transcripts: non-coding transcript variant (1).
Genome position (GRCh38, 1-based): chr9:95,458,256, A>G on the plus strand (T>C on the coding strand, the complement: PTCH1 is on the minus strand). VCF-style: chr9-95458256-A-G. GRCh37 (hg19) VCF-style: chr9-98220538-A-G.
Other names: c.2727T>C, p.Pro909= (NM_001083602.3); c.2922T>C, p.Pro974= (NM_001083603.3); c.2472T>C, p.Pro824= (NM_001083604.3, NM_001083605.3, NM_001083606.3 and 1 more transcripts); c.2769T>C, p.Pro923= (NM_001354918.2).
Identifiers: ClinVar variation 1602717 (VCV001602717.12), dbSNP rs2136662510, ClinGen allele CA466352187.

ClinVar aggregate classification (germline): Likely benign. Review status: criteria provided, multiple submitters, no conflicts (2 of 4 stars). 3 submissions from 3 submitters: Likely benign (2). 1 of the submissions does not count toward it. Last evaluated 2022-06-13.

Conditions:
Gorlin syndrome. Also called: Nevoid Basal Cell Carcinoma Syndrome; Basal cell nevus syndrome. Identifiers: Orphanet 377, MedGen C0004779, MONDO:0007187.
PTCH1-related disorder. Also called: PTCH1-related disorders; PTCH1-related condition.
Hereditary cancer-predisposing syndrome. Also called: Hereditary neoplastic syndrome; Hereditary Cancer Syndrome; Neoplastic Syndromes, Hereditary; Tumor predisposition. Identifiers: Orphanet 140162, MedGen C0027672, MeSH D009386, MONDO:0015356.

Submissions (3):

Ambry Genetics
Classification: Likely benign for Hereditary cancer-predisposing syndrome. Last evaluated: 2022-06-13. Review status: criteria provided, single submitter. Criteria: Ambry Variant Classification Scheme 2023. Collection method: clinical testing. Allele origin: germline.

Labcorp Genetics (formerly Invitae), Labcorp
Classification: Likely benign for Gorlin syndrome. Last evaluated: 2020-12-19. Review status: criteria provided, single submitter. Criteria: Invitae Variant Classification Sherloc (09022015). Collection method: clinical testing. Allele origin: germline.

PreventionGenetics, part of Exact Sciences
Classification: Likely benign for PTCH1-related condition. Last evaluated: 2022-05-23. Review status: no assertion criteria provided. Collection method: clinical testing. Allele origin: germline. Not counted in ClinVar's aggregate classification.
Comment: This variant is classified as likely benign based on ACMG/AMP sequence variant interpretation guidelines (Richards et al. 2015 PMID: 25741868, with internal and published modifications).